The following is an entry in ClinVar:

ClinVar aggregate classification (germline): Conflicting classifications of pathogenicity. Review status: criteria provided, conflicting classifications (1 of 4 stars). 16 submissions from 16 submitters: Uncertain significance (1); Benign (9); Likely benign (3). 3 of the submissions do not count toward it. Last evaluated 2026-02-04.

Conditions:
Cardiovascular phenotype. Identifiers: MedGen CN230736.
Cardiomyopathy (CMYO). Also called: Cardiomyopathies. Identifiers: Orphanet 167848, MedGen C0878544, MONDO:0004994, HP:0001638. Inheritance: Various modes of inheritance.
Becker muscular dystrophy (BMD). Also called: MUSCULAR DYSTROPHY, PSEUDOHYPERTROPHIC PROGRESSIVE, BECKER TYPE; Becker Muscular Dystrophy (BMD). Identifiers: Orphanet 98895, MedGen C0917713, MONDO:0010311, OMIM 300376.
Duchenne muscular dystrophy (DMD). Also called: Duchenne Muscular Dystrophy (DMD); MUSCULAR DYSTROPHY, PSEUDOHYPERTROPHIC PROGRESSIVE, DUCHENNE TYPE. Identifiers: Orphanet 98896, MedGen C0013264, MONDO:0010679, OMIM 310200.
Dystrophin deficiency.
Dilated cardiomyopathy 3B (CMD3B). Also called: CMD3B: DMD-Related Dilated Cardiomyopathy; CARDIOMYOPATHY, DILATED, X-LINKED; DMD-Associated Dilated Cardiomyopathy. Identifiers: Orphanet 154, MedGen C3668940, MONDO:0010542, OMIM 302045.

Allele frequency attached by ClinVar (database versions not stated): gnomAD exomes 0.00040 and 0.00111; ExAC 0.00143; gnomAD 0.00425 and 0.00460; TOPMed 0.00492; 1000 Genomes Project 0.00503; ESP Exome Variant Server 0.00578; 1000 Genomes Project 30x 0.00583.
gnomAD v4.1: 943 of 1,207,831 alleles (0.078%); highest among the groups gnomAD compares: African/African-American, 1.5%; 6 homozygotes.

Submissions (16):

Labcorp Genetics (formerly Invitae), Labcorp
Classification: Benign for Duchenne muscular dystrophy. Last evaluated: 2026-02-04. Review status: criteria provided, single submitter. Criteria: Invitae Variant Classification Sherloc (09022015). Collection method: clinical testing. Allele origin: germline.

Molecular Diagnostic Laboratory for Inherited Cardiovascular Disease, Montreal Heart Institute
Classification: Likely benign. Last evaluated: 2025-04-09. Review status: criteria provided, single submitter. Criteria: ACMG Guidelines, 2015. Collection method: clinical testing. Allele origin: germline. Affected: no.
Comment: BS1;BP1;BP4

Blueprint Genetics
Classification: Likely benign. Last evaluated: 2024-09-16. Review status: criteria provided, single submitter. Criteria: ACMG Guidelines, 2015. Collection method: clinical testing. Allele origin: germline.

Mayo Clinic Laboratories, Mayo Clinic
Classification: Benign. Last evaluated: 2023-08-29. Review status: criteria provided, single submitter. Criteria: ACMG Guidelines, 2015. Collection method: clinical testing. Allele origin: germline. Observed: 6 variant alleles.
Comment: BS1, BS2

Women's Health and Genetics/Laboratory Corporation of America, LabCorp
Classification: Likely benign. Last evaluated: 2023-08-19. Review status: criteria provided, single submitter. Criteria: LabCorp Variant Classification Summary - May 2015. Collection method: clinical testing. Allele origin: germline.

ARUP Laboratories, Molecular Genetics and Genomics, ARUP Laboratories
Classification: Benign. Last evaluated: 2021-11-09. Review status: criteria provided, single submitter. Criteria: ARUP Molecular Germline Variant Investigation Process 2021. Collection method: clinical testing. Allele origin: germline.

Center for Advanced Laboratory Medicine, UC San Diego Health, University of California San Diego
Classification: Benign for Cardiomyopathy. Last evaluated: 2019-02-16. Review status: criteria provided, single submitter. Criteria: ACMG Guidelines, 2015. Collection method: clinical testing. Allele origin: germline. Affected: yes. Observed: 1 variant allele.

Athena Diagnostics
Classification: Benign. Last evaluated: 2018-08-09. Review status: criteria provided, single submitter. Criteria: Athena Diagnostics Criteria. Collection method: clinical testing. Allele origin: germline.

Illumina Laboratory Services, Illumina
Classification: Uncertain significance for Dilated cardiomyopathy 3B. Last evaluated: 2017-04-27. Review status: criteria provided, single submitter. Criteria: ICSL Variant Classification Criteria 13 December 2019. Collection method: clinical testing. Allele origin: germline.

Ambry Genetics
Classification: Benign for Cardiovascular phenotype. Last evaluated: 2015-04-20. Review status: criteria provided, single submitter. Criteria: Ambry Variant Classification Scheme 2023. Collection method: clinical testing. Allele origin: germline.

Laboratory for Molecular Medicine, Mass General Brigham Personalized Medicine
Classification: Benign. Last evaluated: 2015-01-13. Review status: criteria provided, single submitter. Criteria: LMM Criteria. Collection method: clinical testing. Allele origin: germline. Observed: 3 variant alleles.
Comment: p.Ser666Leu in exon 17 of DMD: This variant is not expected to have clinical sig nificance because it has been identified in 1.6% (61/3833) of African American c hromosomes by the NHLBI Exome Sequencing Project (VS/; dbSNP rs34563188).

GeneDx
Classification: Benign. Last evaluated: 2014-11-03. Review status: criteria provided, single submitter. Criteria: GeneDx Variant Classification (06012015). Collection method: clinical testing. Allele origin: germline. Affected: yes.
Comment: This variant is considered likely benign or benign based on one or more of the following criteria: it is a conservative change, it occurs at a poorly conserved position in the protein, it is predicted to be benign by multiple in silico algorithms, and/or has population frequency not consistent with disease.

Eurofins Ntd Llc (ga)
Classification: Benign. Last evaluated: 2013-08-01. Review status: criteria provided, single submitter. Criteria: EGL Classification Definitions 2015. Collection method: clinical testing. Allele origin: germline. Observed: 4 variant alleles, 4 hemizygotes.

Natera, Inc.
Classification: Benign for Becker muscular dystrophy; Cardiomyopathy; Duchenne muscular dystrophy; Dystrophin deficiency. Last evaluated: 2020-04-11. Review status: no assertion criteria provided. Collection method: clinical testing. Allele origin: germline. Not counted in ClinVar's aggregate classification.

Clinical Genetics DNA and cytogenetics Diagnostics Lab, Erasmus MC, Erasmus Medical Center
Classification: Benign. Review status: no assertion criteria provided. Collection method: clinical testing. Allele origin: germline. Affected: yes. Study: VKGL Data-share Consensus. Not counted in ClinVar's aggregate classification.

Genome Diagnostics Laboratory, University Medical Center Utrecht
Classification: Likely benign. Review status: no assertion criteria provided. Collection method: clinical testing. Allele origin: germline. Affected: yes. Study: VKGL Data-share Consensus. Not counted in ClinVar's aggregate classification.

NM_004006.3(DMD):c.1997C>T (p.Ser666Leu)

Gene: DMD (dystrophin; minus strand). Cytogenetic location: Xp21.1.
Variant type: single nucleotide variant.
Coding change: c.1997C>T on transcript NM_004006.3 (MANE Select); coding-DNA position 1997, C replaced by T.
Protein change: p.Ser666Leu; replaces serine 666 with leucine.
Molecular consequence: missense variant.
Genome position (GRCh38, 1-based): chrX:32,545,330, G>A on the plus strand (C>T on the coding strand, the complement: DMD is on the minus strand). VCF-style: chrX-32545330-G-A. GRCh37 (hg19) VCF-style: chrX-32563447-G-A.
Other names: p.S666L:TCA>TTA; c.1973C>T, p.Ser658Leu (NM_000109.4); c.1985C>T, p.Ser662Leu (NM_004009.3); c.1628C>T, p.Ser543Leu (NM_004010.3); short protein forms S666L, S543L, S658L, S662L.
Identifiers: ClinVar variation 94487 (VCV000094487.40), dbSNP rs34563188, ClinGen allele CA285538.